The following is an entry in ClinVar:

NM_003076.5(SMARCD1):c.110C>T (p.Pro37Leu)

Genes: SMARCD1 (SWI/SNF related BAF chromatin remodeling complex subunit D1; plus strand), LOC130007872 (ATAC-STARR-seq lymphoblastoid silent region 4446; plus strand). Cytogenetic location: 12q13.12.
Variant type: single nucleotide variant.
Coding change: c.110C>T on transcript NM_003076.5 (MANE Select); coding-DNA position 110, C replaced by T.
Protein change: p.Pro37Leu; replaces proline 37 with leucine.
Molecular consequence: missense variant.
Genome position (GRCh38, 1-based): chr12:50,085,479, C>T. VCF-style: chr12-50085479-C-T. GRCh37 (hg19) VCF-style: chr12-50479262-C-T.
Other names: c.110C>T, p.Pro37Leu (NM_139071.3); short protein forms P37L.
Identifiers: ClinVar variation 2499696 (VCV002499696.1), dbSNP rs1950778060, ClinGen allele CA384786181.
Genomic context (GRCh38, chr12:50,085,479, plus strand): 5'-GAGCCTCAGGAGGGGCGGGCGCGGCTGCTGCCTTGGGCCCGGGCGGAACTCCGGGGCCTC[C>T]TGTGCGAATGGGCCCGGCTCCGGGTCAAGGGCTGTACCGCTCCCCGATGCCCGGAGCGGC-3'
Protein context (NP_003067.3, residues 27-47): ALGPGGTPGP[Pro37Leu]VRMGPAPGQG

ClinVar aggregate classification (germline): Uncertain significance (1 of 4 stars; one submission).

Allele frequency attached by ClinVar (database versions not stated): TOPMed below 0.00001.

Submission:

GeneDx
Classification: Uncertain significance. Last evaluated: 2022-10-24. Review status: criteria provided, single submitter. Criteria: GeneDx Variant Classification Process June 2021. Collection method: clinical testing. Allele origin: germline. Affected: yes.
Comment: Not observed at significant frequency in large population cohorts (gnomAD); In silico analysis supports that this missense variant does not alter protein structure/function; Has not been previously published as pathogenic or benign to our knowledge